The following is an entry in ClinVar:

ClinVar aggregate classification (germline): Likely benign. Review status: criteria provided, multiple submitters, no conflicts (2 of 4 stars). 2 submissions from 2 submitters: Likely benign (2). Last evaluated 2024-08-08.

Conditions:
Hyperglycinuria. Also called: GLYCINURIA WITH OR WITHOUT OXALATE NEPHROLITHIASIS; GLYCINURIA WITH OR WITHOUT OXALATE UROLITHIASIS; IMINOGLYCINURIA TYPE II. Identifiers: MedGen C0543541, MONDO:0007677, OMIM 138500, HP:0003108.

Allele frequency attached by ClinVar (database versions not stated): ExAC 0.00099; ESP Exome Variant Server 0.00269; gnomAD 0.00316 and 0.00338; 1000 Genomes Project 0.00319; 1000 Genomes Project 30x 0.00328; TOPMed 0.00351.
gnomAD v4.1: 870 of 1,613,816 alleles (0.054%); highest among the groups gnomAD compares: African/African-American, 0.98%; 3 homozygotes.

Submissions (2):

Blueprint Genetics
Classification: Likely benign. Last evaluated: 2024-08-08. Review status: criteria provided, single submitter. Criteria: ACMG Guidelines, 2015. Collection method: clinical testing. Allele origin: germline.

Illumina Laboratory Services, Illumina
Classification: Likely benign for Hyperglycinuria. Last evaluated: 2018-01-12. Review status: criteria provided, single submitter. Criteria: ICSL Variant Classification Criteria 13 December 2019. Collection method: clinical testing. Allele origin: germline.
Comment: This variant was observed in the ICSL laboratory as part of a predisposition screen in an ostensibly healthy population. It had not been previously curated by ICSL or reported in the Human Gene Mutation Database (HGMD: prior to June 1st, 2018), and was therefore a candidate for classification through an automated scoring system. Utilizing variant allele frequency, disease prevalence and penetrance estimates, and inheritance mode, an automated score was calculated to assess if this variant is too frequent to cause the disease. Based on the score and internal cut-off values, a variant classified as likely benign is not then subjected to further curation. The score for this variant resulted in a classification of likely benign for this disease.

NM_020208.4(SLC6A20):c.171G>A (p.Pro57=)

Gene: SLC6A20 (solute carrier family 6 member 20; minus strand). Cytogenetic location: 3p21.31.
Variant type: single nucleotide variant.
Coding change: c.171G>A on transcript NM_020208.4 (MANE Select); coding-DNA position 171, G replaced by A.
Protein change: p.Pro57=; no amino-acid change (proline 57 retained).
Molecular consequence: synonymous variant.
Genome position (GRCh38, 1-based): chr3:45,782,174, C>T on the plus strand (G>A on the coding strand, the complement: SLC6A20 is on the minus strand). VCF-style: chr3-45782174-C-T. GRCh37 (hg19) VCF-style: chr3-45823666-C-T.
Other names: c.171G>A, p.Pro57= (NM_022405.4).
Identifiers: ClinVar variation 899779 (VCV000899779.5), dbSNP rs143569697, ClinGen allele CA2351737.